The following is an entry in ClinVar:

ClinVar aggregate classification (germline): Uncertain significance (1 of 4 stars; one submission).

Conditions:
Osteogenesis imperfecta type I (OI1). Also called: Lobstein's Disease; Classic Non-deforming Osteogenesis Imperfecta with Blue Sclerae; Lobstein disease; OI, TYPE I; OSTEOGENESIS IMPERFECTA TARDA; OSTEOGENESIS IMPERFECTA WITH BLUE SCLERAE. Identifiers: Orphanet 216796, Orphanet 666, MedGen C0023931, MONDO:0008146, OMIM 166200. Disease mechanism: loss of function.
Ehlers-Danlos syndrome, classic type, 1 (EDSCL1). Also called: Ehlers-Danlos syndrome, type 1; Ehlers-Danlos Syndrome, Classic Type, COL5A1-Related; EDS I; EHLERS-DANLOS SYNDROME, GRAVIS TYPE; EHLERS-DANLOS SYNDROME, SEVERE CLASSIC TYPE. Identifiers: MedGen C0268335, MONDO:0019567, OMIM 130000.

Allele frequency attached by ClinVar (database versions not stated): gnomAD exomes below 0.00001.

Submission:

Labcorp Genetics (formerly Invitae), Labcorp
Classification: Uncertain significance for Osteogenesis imperfecta type I; Ehlers-Danlos syndrome, classic type, 1. Last evaluated: 2019-02-15. Review status: criteria provided, single submitter. Criteria: Invitae Variant Classification Sherloc (09022015). Collection method: clinical testing. Allele origin: germline.
Comment: In summary, the available evidence is currently insufficient to determine the role of this variant in disease. Therefore, it has been classified as a Variant of Uncertain Significance. Algorithms developed to predict the effect of missense changes on protein structure and function are either unavailable or do not agree on the potential impact of this missense change (SIFT: "Deleterious"; PolyPhen-2: "Not Available"; Align-GVGD: "Class C0"). This variant has not been reported in the literature in individuals with COL1A2-related conditions. This variant is not present in population databases (ExAC no frequency). This sequence change replaces methionine with valine at codon 1250 of the COL1A2 protein (p.Met1250Val). The methionine residue is highly conserved and there is a small physicochemical difference between methionine and valine.

NM_000089.4(COL1A2):c.3748A>G (p.Met1250Val)

Gene: COL1A2 (collagen type I alpha 2 chain; plus strand). Cytogenetic location: 7q21.3.
Variant type: single nucleotide variant.
Coding change: c.3748A>G on transcript NM_000089.4 (MANE Select); coding-DNA position 3748, A replaced by G.
Protein change: p.Met1250Val; replaces methionine 1250 with valine.
Molecular consequence: missense variant.
Genome position (GRCh38, 1-based): chr7:94,429,224, A>G. VCF-style: chr7-94429224-A-G. GRCh37 (hg19) VCF-style: chr7-94058536-A-G.
Other names: short protein forms M1250V.
Identifiers: ClinVar variation 848769 (VCV000848769.11), dbSNP rs1792349508, ClinGen allele CA368226661.